The following is an entry in ClinVar:

NM_000642.3(AGL):c.1431A>C (p.Glu477Asp)

Gene: AGL (amylo-alpha-1,6-glucosidase and 4-alpha-glucanotransferase; plus strand). Cytogenetic location: 1p21.2.
Variant type: single nucleotide variant.
Coding change: c.1431A>C on transcript NM_000642.3 (MANE Select); coding-DNA position 1431, A replaced by C.
Protein change: p.Glu477Asp; replaces glutamic acid 477 with aspartic acid.
Molecular consequence: missense variant.
Genome position (GRCh38, 1-based): chr1:99,877,648, A>C. VCF-style: chr1-99877648-A-C. GRCh37 (hg19) VCF-style: chr1-100343204-A-C.
Other names: c.1431A>C, p.Glu477Asp (NM_000028.3, NM_000643.3, NM_000644.3 and 2 more transcripts); c.1383A>C, p.Glu461Asp (NM_000646.3); c.1230A>C, p.Glu410Asp (NM_001425327.1); c.1227A>C, p.Glu409Asp (NM_001425328.1, NM_001425329.1); c.1053A>C, p.Glu351Asp (NM_001425332.1); short protein forms E477D, E461D, E351D, E409D, E410D.
Identifiers: ClinVar variation 2010038 (VCV002010038.4), dbSNP rs2524620316, ClinGen allele CA341314485.
Genomic context (GRCh38, chr1:99,877,648, plus strand): 5'-ATTGTTTTCATTTTATTTCTTGAACCATTGAAAGCAATCTCTTTTCTGAACAGGTTCAGA[A>C]GTTTACCTAAGGAGAGAACTTATTTGCTGGGGAGACAGTGTTAAATTACGCTATGGGAAT-3'
Protein context (NP_000633.2, residues 467-487): PLRNFAEPGS[Glu477Asp]VYLRRELICW

ClinVar aggregate classification (germline): Uncertain significance (1 of 4 stars; one submission).

Conditions:
Glycogen storage disease type III (GSD3). Also called: FORBES DISEASE; Cori disease. Identifiers: Orphanet 366, MedGen C0017922, MONDO:0009291, OMIM 232400.

Allele frequency attached by ClinVar (database versions not stated): gnomAD exomes below 0.00001.
gnomAD v4.1: 2 of 1,614,008 alleles (0.00012%); highest among the groups gnomAD compares: Non-Finnish European, 0.00017%; no homozygotes.

Submission:

Labcorp Genetics (formerly Invitae), Labcorp
Classification: Uncertain significance for Glycogen storage disease type III. Last evaluated: 2022-06-24. Review status: criteria provided, single submitter. Criteria: Invitae Variant Classification Sherloc (09022015). Collection method: clinical testing. Allele origin: germline.
Comment: This variant has not been reported in the literature in individuals affected with AGL-related conditions. This variant is not present in population databases (gnomAD no frequency). This sequence change replaces glutamic acid, which is acidic and polar, with aspartic acid, which is acidic and polar, at codon 477 of the AGL protein (p.Glu477Asp). In summary, the available evidence is currently insufficient to determine the role of this variant in disease. Therefore, it has been classified as a Variant of Uncertain Significance. Algorithms developed to predict the effect of missense changes on protein structure and function output the following: SIFT: "Tolerated"; PolyPhen-2: "Benign"; Align-GVGD: "Class C0". The aspartic acid amino acid residue is found in multiple mammalian species, which suggests that this missense change does not adversely affect protein function.